The following is an entry in ClinVar:

NM_003070.5(SMARCA2):c.4572_4577del (p.Asp1524_Glu1525del)

Gene: SMARCA2 (SWI/SNF related BAF chromatin remodeling complex subunit ATPase 2; plus strand). Cytogenetic location: 9p24.3.
Variant type: Deletion.
Coding change: c.4572_4577del on transcript NM_003070.5 (MANE Select); coding-DNA positions 4572 to 4577, 6 bases deleted (TGAAGA; older notation c.4572_4577delTGAAGA).
Protein change: p.Asp1524_Glu1525del.
Molecular consequence: inframe deletion. On other transcripts: inframe indel (3).
Genome position (GRCh38, 1-based): chr9:2,186,206-2,186,211, TGAAGA deleted; deleting any 6 consecutive bases within chr9:2,186,201-2,186,211 gives the same sequence; the c. name uses the placement nearest the transcript's 3' end. VCF-style (leftmost placement, unchanged base first): chr9-2186200-GGAAGAT-G. GRCh37 (hg19) VCF-style: chr9-2186200-GGAAGAT-G.
Other names: c.4572_4577delTGAAGA, p.Asp1524_Glu1525del (NM_001289396.2); c.4344_4349del, p.Asp1448_Glu1449del (NM_001289397.2); c.546_551del, p.Asp182_Glu183del (NM_001289398.2); c.630_635delTGAAGA, p.Asp210_Glu211del (NM_001289399.2); c.636_641delTGAAGA, p.Asp212_Glu213del (NM_001289400.2); c.4518_4523del, p.Asp1506_Glu1507del (NM_139045.4).
Identifiers: ClinVar variation 1701562 (VCV001701562.32), dbSNP rs1229249653, ClinGen allele CA862165926.

ClinVar aggregate classification (germline): Uncertain significance. Review status: criteria provided, multiple submitters, no conflicts (2 of 4 stars). 2 submissions from 2 submitters: Uncertain significance (2). Last evaluated 2024-10-30.

Submissions (2):

Labcorp Genetics (formerly Invitae), Labcorp
Classification: Uncertain significance. Last evaluated: 2024-10-30. Review status: criteria provided, single submitter. Criteria: Invitae Variant Classification Sherloc (09022015). Collection method: clinical testing. Allele origin: germline.
Comment: This variant, c.4572_4577del, results in the deletion of 2 amino acid(s) of the SMARCA2 protein (p.Asp1524_Glu1525del), but otherwise preserves the integrity of the reading frame. This variant is not present in population databases (gnomAD no frequency). This variant has not been reported in the literature in individuals affected with SMARCA2-related conditions. ClinVar contains an entry for this variant (Variation ID: 1701562). Experimental studies and prediction algorithms are not available or were not evaluated, and the functional significance of this variant is currently unknown. In summary, the available evidence is currently insufficient to determine the role of this variant in disease. Therefore, it has been classified as a Variant of Uncertain Significance.

CeGaT Center for Human Genetics Tuebingen
Classification: Uncertain significance. Last evaluated: 2022-07-01. Review status: criteria provided, single submitter. Criteria: CeGaT Center For Human Genetics Tuebingen Variant Classification Criteria Version 2. Collection method: clinical testing. Allele origin: germline. Affected: yes. Observed: 1 variant allele.
Comment: SMARCA2: PM2, BP3